The following is an entry in ClinVar:

NM_001376.5(DYNC1H1):c.8462T>G (p.Leu2821Arg)

Gene: DYNC1H1 (dynein cytoplasmic 1 heavy chain 1; plus strand). Cytogenetic location: 14q32.31.
Variant type: single nucleotide variant.
Coding change: c.8462T>G on transcript NM_001376.5 (MANE Select); coding-DNA position 8462, T replaced by G.
Protein change: p.Leu2821Arg; replaces leucine 2821 with arginine.
Molecular consequence: missense variant.
Genome position (GRCh38, 1-based): chr14:102,020,011, T>G. VCF-style: chr14-102020011-T-G. GRCh37 (hg19) VCF-style: chr14-102486348-T-G.
Other names: short protein forms L2821R.
Identifiers: ClinVar variation 3372794 (VCV003372794.1).

ClinVar aggregate classification (germline): Likely pathogenic (1 of 4 stars; one submission).

Submission:

GeneDx
Classification: Likely pathogenic. Last evaluated: 2024-04-22. Review status: criteria provided, single submitter. Criteria: GeneDx Variant Classification Process June 2021. Collection method: clinical testing. Allele origin: germline. Affected: yes.
Comment: Not observed at significant frequency in large population cohorts (gnomAD); In silico analysis supports that this missense variant has a deleterious effect on protein structure/function; Has not been previously published as pathogenic or benign to our knowledge; This variant is associated with the following publications: (PMID: 25512093, 25609763, 26100331)